The following is an entry in ClinVar:

ClinVar aggregate classification (germline): Likely pathogenic (1 of 4 stars; one submission).

Conditions:
Autosomal recessive limb-girdle muscular dystrophy type 2J (LGMDR10). Also called: Limb-girdle muscular dystrophy, type 2J; MUSCULAR DYSTROPHY, LIMB-GIRDLE, AUTOSOMAL RECESSIVE 10. Identifiers: Orphanet 140922, MedGen C1837342, MONDO:0012127, OMIM 608807.
Dilated cardiomyopathy 1G (CMD1G). Identifiers: Orphanet 154, MedGen C1858763, MONDO:0011400, OMIM 604145.

Submission:

Labcorp Genetics (formerly Invitae), Labcorp
Classification: Likely pathogenic for Dilated cardiomyopathy 1G; Autosomal recessive limb-girdle muscular dystrophy type 2J. Last evaluated: 2025-11-09. Review status: criteria provided, single submitter. Criteria: Invitae Variant Classification Sherloc (09022015). Collection method: clinical testing. Allele origin: germline.
Comment: This sequence change creates a premature translational stop signal (p.Phe28523*) in the TTN gene. While this is not anticipated to result in nonsense mediated decay, it is expected to create a truncated TTN protein. This variant is not present in population databases (gnomAD no frequency). This variant has not been reported in the literature in individuals affected with TTN-related conditions. This variant is located in the A band of TTN (PMID: 25589632). Truncating variants in this region are significantly overrepresented in patients affected with dilated cardiomyopathy (PMID: 25589632). Truncating variants in this region have also been reported in individuals affected with autosomal recessive centronuclear myopathy (PMID: 23975875). In summary, the currently available evidence indicates that the variant is pathogenic, but additional data are needed to prove that conclusively. Therefore, this variant has been classified as Likely Pathogenic.

Literature cited by the submitters: PubMed 25589632; PubMed 23975875.

NM_001267550.2(TTN):c.85566_85567del (p.Ile28522_Phe28523insTer)

Genes: TTN (titin; minus strand), TTN-AS1 (TTN antisense RNA 1; plus strand). Cytogenetic location: 2q31.2.
Variant type: Microsatellite.
Coding change: c.85566_85567del on transcript NM_001267550.2 (MANE Select); coding-DNA positions 85566 to 85567, 2 bases deleted (AT; older notation c.85566_85567delAT).
Protein change: p.Ile28522_Phe28523insTer.
Molecular consequence: frameshift variant.
Genome position (GRCh38, 1-based): chr2:178,560,565-178,560,566, AT deleted on the plus strand (AT on the coding strand, the reverse complement: TTN is on the minus strand); deleting any 2 consecutive bases within chr2:178,560,565-178,560,572 gives the same sequence; the c. name uses the placement nearest the transcript's 3' end. VCF-style (leftmost placement, unchanged base first): chr2-178560564-AAT-A. GRCh37 (hg19) VCF-style: chr2-179425291-AAT-A.
Other names: c.80643_80644del, p.Ile26881_Phe26882insTer (NM_001256850.1); c.58371_58372del, p.Ile19457_Phe19458insTer (NM_003319.4); c.77862_77863del, p.Ile25954_Phe25955insTer (NM_133378.4); c.58746_58747del, p.Ile19582_Phe19583insTer (NM_133432.3); c.58947_58948del, p.Ile19649_Phe19650insTer (NM_133437.4).
Identifiers: ClinVar variation 4791920 (VCV004791920.1).